The following is an entry in ClinVar:

ClinVar aggregate classification (germline): Likely benign (1 of 4 stars; one submission).

Allele frequency attached by ClinVar (database versions not stated): ESP Exome Variant Server 0.00038; gnomAD exomes 0.00042; TOPMed 0.00043; gnomAD 0.00046; ExAC 0.00076.
gnomAD v4.1: 709 of 1,611,204 alleles (0.044%); highest among the groups gnomAD compares: Middle Eastern, 0.25%; 1 homozygote.

Submission:

CeGaT Center for Human Genetics Tuebingen
Classification: Likely benign. Last evaluated: 2023-03-01. Review status: criteria provided, single submitter. Criteria: CeGaT Center For Human Genetics Tuebingen Variant Classification Criteria Version 2. Collection method: clinical testing. Allele origin: germline. Affected: yes. Observed: 1 variant allele.
Comment: NAPA: BP4, BP7

NM_003827.4(NAPA):c.261C>T (p.Asp87=)

Genes: NAPA (NSF attachment protein alpha; minus strand), NAPA-AS1 (NAPA antisense RNA 1; plus strand). Cytogenetic location: 19q13.33.
Variant type: single nucleotide variant.
Coding change: c.261C>T on transcript NM_003827.4 (MANE Select); coding-DNA position 261, C replaced by T.
Protein change: p.Asp87=; no amino-acid change (aspartic acid 87 retained).
Molecular consequence: synonymous variant. On other transcripts: non-coding transcript variant (1).
Genome position (GRCh38, 1-based): chr19:47,500,667, G>A on the plus strand (C>T on the coding strand, the complement: NAPA is on the minus strand). VCF-style: chr19-47500667-G-A. GRCh37 (hg19) VCF-style: chr19-48003924-G-A.
Identifiers: ClinVar variation 2650155 (VCV002650155.24), dbSNP rs138050628, ClinGen allele CA9540984.